The following is an entry in ClinVar:

ClinVar aggregate classification (germline): Uncertain significance. Review status: criteria provided, multiple submitters, no conflicts (2 of 4 stars). 2 submissions from 2 submitters: Uncertain significance (2). Last evaluated 2026-05-06.

Conditions:
MKS1-related disorder. Also called: MKS1-related condition; MKS1-related disorders. Identifiers: MedGen CN239382.

Allele frequency attached by ClinVar (database versions not stated): gnomAD 0.00002; gnomAD exomes 0.00003; TOPMed 0.00003.
gnomAD v4.1: 40 of 1,548,952 alleles (0.0026%); highest among the groups gnomAD compares: East Asian, 0.0049%; no homozygotes.

Submissions (2):

PreventionGenetics, part of Exact Sciences
Classification: Uncertain significance for MKS1-related condition. Last evaluated: 2026-05-06. Review status: criteria provided, single submitter. Criteria: ACMG Guidelines, 2015. Collection method: clinical testing. Allele origin: germline.
Comment: The MKS1 c.1673G>A variant is predicted to result in the amino acid substitution p.Arg558His. To our knowledge, this variant has not been reported in the literature or in a large population database (gnomAD), indicating this variant is rare. This variant is located at the end of the terminal exon in an alternate transcript and is downstream of the coding sequence in the primary transcript (c.*76G>A in NM_017777). Although we suspect that this variant may be benign, at this time, the clinical significance of this variant is uncertain due to the absence of conclusive functional and genetic evidence.

Women's Health and Genetics/Laboratory Corporation of America, LabCorp
Classification: Uncertain significance. Last evaluated: 2025-07-23. Review status: criteria provided, single submitter. Criteria: LabCorp Variant Classification Summary - May 2015. Collection method: clinical testing. Allele origin: germline.
Comment: Variant summary: MKS1 c.*76G>A is located in the untranslated mRNA region downstream of the termination codon. The variant was absent in 183800 control chromosomes. The available data on variant occurrences in the general population are insufficient to allow any conclusion about variant significance. To our knowledge, no occurrence of c.*76G>A in individuals affected with Meckel Syndrome Type 1 and no experimental evidence demonstrating its impact on protein function have been reported. ClinVar contains an entry for this variant (Variation ID: 3054692). Based on the evidence outlined above, the variant was classified as uncertain significance.

NM_017777.4(MKS1):c.*76G>A

Gene: MKS1 (MKS transition zone complex subunit 1; minus strand). Cytogenetic location: 17q22.
Variant type: single nucleotide variant.
Coding change: c.*76G>A on transcript NM_017777.4 (MANE Select); 76 bases downstream of the stop codon, G replaced by A.
Molecular consequence: 3 prime UTR variant. On other transcripts: missense variant (1).
Genome position (GRCh38, 1-based): chr17:58,206,003, C>T on the plus strand (G>A on the coding strand, the complement: MKS1 is on the minus strand). VCF-style: chr17-58206003-C-T. GRCh37 (hg19) VCF-style: chr17-56283364-C-T.
Other names: c.*76G>A (NM_001321268.2); c.1673G>A, p.Arg558His (NM_001321269.2); c.*168G>A (NM_001330397.2); short protein forms R558H.
Identifiers: ClinVar variation 3054692 (VCV003054692.4), dbSNP rs972224115, ClinGen allele CA292007218.
Genomic context (GRCh38, chr17:58,206,003, plus strand): 5'-CCGGGAATTTCCCAGCTTTTCTGGTTCTCAGCAGACCAACGTGGTCTCTAATCAGAAAGA[C>T]GAAGAGGCAGGAGAGCACTGGCCTCAGATATCCCCCATCTTGTCCTCTTGCACTGTGGGC-3'